The following is an entry in ClinVar:

ClinVar aggregate classification (germline): Likely benign (1 of 4 stars; one submission).

Conditions:
Breast-ovarian cancer, familial, susceptibility to, 4. Identifiers: Orphanet 145, MedGen C3280345, MONDO:0013669, OMIM 614291.

Submission:

Myriad Genetics, Inc.
Classification: Likely benign for Breast-ovarian cancer, familial, susceptibility to, 4. Last evaluated: 2025-02-24. Review status: criteria provided, single submitter. Criteria: Myriad Autosomal Dominant, Autosomal Recessive and X-Linked Classification Criteria (2023). Collection method: clinical testing. Allele origin: unknown.
Comment: This variant is considered likely benign. This variant is intronic and is not expected to impact mRNA splicing.

NM_002878.4(RAD51D):c.739-18A>C

Genes: RAD51D (RAD51 paralog D; minus strand), RAD51L3-RFFL (RAD51L3-RFFL readthrough; minus strand). Cytogenetic location: 17q12.
Variant type: single nucleotide variant.
Coding change: c.739-18A>C on transcript NM_002878.4 (MANE Select); 18 bases into the intron before coding-DNA position 739, A replaced by C.
Molecular consequence: intron variant.
Genome position (GRCh38, 1-based): chr17:35,101,383, T>G on the plus strand (A>C on the coding strand, the complement: RAD51D is on the minus strand). VCF-style: chr17-35101383-T-G. GRCh37 (hg19) VCF-style: chr17-33428402-T-G.
Other names: c.403-18A>C (NM_133629.3); c.799-18A>C (NM_001142571.2).
Identifiers: ClinVar variation 3903775 (VCV003903775.1).